The following is an entry in ClinVar:

NM_007118.4(TRIO):c.2804T>C (p.Ile935Thr)

Gene: TRIO (trio Rho guanine nucleotide exchange factor; plus strand). Cytogenetic location: 5p15.2.
Variant type: single nucleotide variant.
Coding change: c.2804T>C on transcript NM_007118.4 (MANE Select); coding-DNA position 2804, T replaced by C.
Protein change: p.Ile935Thr; replaces isoleucine 935 with threonine.
Molecular consequence: missense variant. On other transcripts: non-coding transcript variant (1).
Genome position (GRCh38, 1-based): chr5:14,366,909, T>C. VCF-style: chr5-14366909-T-C. GRCh37 (hg19) VCF-style: chr5-14367018-T-C.
Other names: short protein forms I935T.
Identifiers: ClinVar variation 3591861 (VCV003591861.4).
Genomic context (GRCh38, chr5:14,366,909, plus strand): 5'-TAATGTTTCAGGTGCTGGGTTGGATCCGCAACGGAGAGTCCATGTTAAATGCCGGACTTA[T>C]CACAGCCAGCTCGTTACAAGAGGCAGAGCAGCTCCAGCGAGAGCACGAGCAGTTCCAGCA-3'
Protein context (NP_009049.2, residues 925-945): NGESMLNAGL[Ile935Thr]TASSLQEAEQ

ClinVar aggregate classification (germline): Uncertain significance. Review status: criteria provided, multiple submitters, no conflicts (2 of 4 stars). 3 submissions from 3 submitters: Uncertain significance (3). Last evaluated 2024-12-04.

Conditions:
Intellectual developmental disorder, autosomal dominant 44, with microcephaly. Also called: Micrognathia-recurrent infections-behavioral abnormalities-mild intellectual disability syndrome; TRIO-Related Intellectual Disability. Identifiers: Orphanet 476126, MedGen C4310740, MONDO:0014892, OMIM 617061.
Intellectual developmental disorder, autosomal dominant 63, with macrocephaly. Also called: MENTAL RETARDATION, AUTOSOMAL DOMINANT 63, WITH MACROCEPHALY. Identifiers: MedGen C5394205, MONDO:0032939, OMIM 618825.

gnomAD v4.1: 2 of 1,614,182 alleles (0.00012%); highest among the groups gnomAD compares: Admixed American, 0.0017%; no homozygotes.

Submissions (3):

Labcorp Genetics (formerly Invitae), Labcorp
Classification: Uncertain significance. Last evaluated: 2024-12-04. Review status: criteria provided, single submitter. Criteria: Invitae Variant Classification Sherloc (09022015). Collection method: clinical testing. Allele origin: germline.
Comment: This sequence change replaces isoleucine, which is neutral and non-polar, with threonine, which is neutral and polar, at codon 935 of the TRIO protein (p.Ile935Thr). This variant is present in population databases (rs762562255, gnomAD 0.003%). This variant has not been reported in the literature in individuals affected with TRIO-related conditions. Invitae Evidence Modeling of protein sequence and biophysical properties (such as structural, functional, and spatial information, amino acid conservation, physicochemical variation, residue mobility, and thermodynamic stability) indicates that this missense variant is not expected to disrupt TRIO protein function with a negative predictive value of 80%. In summary, the available evidence is currently insufficient to determine the role of this variant in disease. Therefore, it has been classified as a Variant of Uncertain Significance.

Fulgent Genetics
Classification: Uncertain significance for Intellectual developmental disorder, autosomal dominant 44, with microcephaly; Intellectual developmental disorder, autosomal dominant 63, with macrocephaly. Last evaluated: 2024-05-21. Review status: criteria provided, single submitter. Criteria: ACMG Guidelines, 2015. Collection method: clinical testing. Allele origin: germline.

Blueprint Genetics
Classification: Uncertain significance. Last evaluated: 2024-04-02. Review status: criteria provided, single submitter. Criteria: ACMG Guidelines, 2015. Collection method: clinical testing. Allele origin: germline.